The following is an entry in ClinVar:

NM_001384950.1(NLRC5):c.3338+59G>A

Gene: NLRC5 (NLR family CARD domain containing 5; plus strand). Cytogenetic location: 16q13.
Variant type: single nucleotide variant.
Coding change: c.3338+59G>A on transcript NM_001384950.1 (MANE Select); 59 bases into the intron after coding-DNA position 3338, G replaced by A.
Molecular consequence: intron variant.
Genome position (GRCh38, 1-based): chr16:57,046,700, G>A. VCF-style: chr16-57046700-G-A. GRCh37 (hg19) VCF-style: chr16-57080612-G-A.
Other names: c.3338+59G>A (NM_001384954.1, NM_001384953.1, NM_001384957.1 and 17 more transcripts); c.3165-845G>A (NM_001384960.1); c.3249-845G>A (NM_001384967.1, NM_001384968.1); c.3254+59G>A (NM_001384965.1); c.3098+59G>A (NM_001384972.1).
Identifiers: ClinVar variation 103176 (VCV000103176.2), dbSNP rs199475993, ClinGen allele CA230222.

ClinVar aggregate classification (germline): not provided (0 of 4 stars; one submission).

Allele frequency attached by ClinVar (database versions not stated): TOPMed below 0.00001; gnomAD 0.00001 and 0.00002; gnomAD exomes 0.00001.
gnomAD v4.1: 16 of 1,390,654 alleles (0.0012%); highest among the groups gnomAD compares: East Asian, 0.0023%; no homozygotes.

Submission:

Human Evolutionary Genetics, Institut Pasteur
No classification provided. Review status: no classification provided. Collection method: not provided. Allele origin: germline.
ClinVar note: Converted during submission from untested to not provided.